The following is an entry in ClinVar:

ClinVar aggregate classification (germline): Uncertain significance (1 of 4 stars; one submission).

Conditions:
Immunodeficiency 51 (IMD51). Also called: CANDIDIASIS, FAMILIAL, 5. Identifiers: Orphanet 1334, MedGen C4310803, MONDO:0013500, OMIM 613953.

gnomAD v4.1: 1 of 1,578,184 alleles (0.000063%); highest among the groups gnomAD compares: Non-Finnish European, 0.000086%; no homozygotes.

Submission:

Labcorp Genetics (formerly Invitae), Labcorp
Classification: Uncertain significance for Immunodeficiency 51. Last evaluated: 2022-03-02. Review status: criteria provided, single submitter. Criteria: Invitae Variant Classification Sherloc (09022015). Collection method: clinical testing. Allele origin: germline.
Comment: In summary, the available evidence is currently insufficient to determine the role of this variant in disease. Therefore, it has been classified as a Variant of Uncertain Significance. Algorithms developed to predict the effect of missense changes on protein structure and function (SIFT, PolyPhen-2, Align-GVGD) all suggest that this variant is likely to be disruptive. This variant has not been reported in the literature in individuals affected with IL17RA-related conditions. This variant is not present in population databases (gnomAD no frequency). This sequence change replaces leucine, which is neutral and non-polar, with proline, which is neutral and non-polar, at codon 836 of the IL17RA protein (p.Leu836Pro).

NM_014339.7(IL17RA):c.2507T>C (p.Leu836Pro)

Gene: IL17RA (interleukin 17 receptor A; plus strand). Cytogenetic location: 22q11.1.
Variant type: single nucleotide variant.
Coding change: c.2507T>C on transcript NM_014339.7 (MANE Select); coding-DNA position 2507, T replaced by C.
Protein change: p.Leu836Pro; replaces leucine 836 with proline.
Molecular consequence: missense variant.
Genome position (GRCh38, 1-based): chr22:17,109,726, T>C. VCF-style: chr22-17109726-T-C. GRCh37 (hg19) VCF-style: chr22-17590616-T-C.
Other names: c.2405T>C, p.Leu802Pro (NM_001289905.2); short protein forms L802P, L836P.
Identifiers: ClinVar variation 1405290 (VCV001405290.6), dbSNP rs1462952056, ClinGen allele CA410222353.